The following is an entry in ClinVar:

NM_018706.7(DHTKD1):c.1553A>C (p.Gln518Pro)

Gene: DHTKD1 (dehydrogenase E1 and transketolase domain containing 1; plus strand). Cytogenetic location: 10p14.
Variant type: single nucleotide variant.
Coding change: c.1553A>C on transcript NM_018706.7 (MANE Select); coding-DNA position 1553, A replaced by C.
Protein change: p.Gln518Pro; replaces glutamine 518 with proline.
Molecular consequence: missense variant.
Genome position (GRCh38, 1-based): chr10:12,097,878, A>C. VCF-style: chr10-12097878-A-C. GRCh37 (hg19) VCF-style: chr10-12139877-A-C.
Other names: short protein forms Q518P.
Identifiers: ClinVar variation 2727224 (VCV002727224.3), dbSNP rs766964006, ClinGen allele CA5407885.

ClinVar aggregate classification (germline): Uncertain significance (1 of 4 stars; one submission).

Conditions:
2-aminoadipic 2-oxoadipic aciduria (AAKAD). Also called: ALPHA-AMINOADIPIC AND ALPHA-KETOADIPIC ACIDURIA; Aminoadipic aciduria. Identifiers: Orphanet 79154, MedGen C1859817, MONDO:0008774, OMIM 204750.

Allele frequency attached by ClinVar (database versions not stated): gnomAD exomes 0.00001; TOPMed 0.00001; ExAC 0.00002.
gnomAD v4.1: 8 of 1,614,218 alleles (0.0005%); highest among the groups gnomAD compares: South Asian, 0.0055%; no homozygotes.

Submission:

Labcorp Genetics (formerly Invitae), Labcorp
Classification: Uncertain significance for 2-aminoadipic 2-oxoadipic aciduria. Last evaluated: 2024-08-22. Review status: criteria provided, single submitter. Criteria: Invitae Variant Classification Sherloc (09022015). Collection method: clinical testing. Allele origin: germline.
Comment: This sequence change replaces glutamine, which is neutral and polar, with proline, which is neutral and non-polar, at codon 518 of the DHTKD1 protein (p.Gln518Pro). This variant is present in population databases (rs766964006, gnomAD 0.009%). This variant has not been reported in the literature in individuals affected with DHTKD1-related conditions. An algorithm developed to predict the effect of missense changes on protein structure and function (PolyPhen-2) suggests that this variant is likely to be tolerated. In summary, the available evidence is currently insufficient to determine the role of this variant in disease. Therefore, it has been classified as a Variant of Uncertain Significance.